The following is an entry in ClinVar:

NM_001077525.3(MTMR14):c.960T>G (p.Ser320Arg)

Gene: MTMR14 (myotubularin related protein 14; plus strand). Cytogenetic location: 3p25.3.
Variant type: single nucleotide variant.
Coding change: c.960T>G on transcript NM_001077525.3 (MANE Select); coding-DNA position 960, T replaced by G.
Protein change: p.Ser320Arg; replaces serine 320 with arginine.
Molecular consequence: missense variant. On other transcripts: non-coding transcript variant (9).
Genome position (GRCh38, 1-based): chr3:9,683,240, T>G. VCF-style: chr3-9683240-T-G. GRCh37 (hg19) VCF-style: chr3-9724924-T-G.
Other names: c.960T>G, p.Ser320Arg (NM_001077526.3, NM_022485.5); c.1029T>G, p.Ser343Arg (NM_001400518.1, NM_001400521.1); c.957T>G, p.Ser319Arg (NM_001400519.1, NM_001400522.1); c.885T>G, p.Ser295Arg (NM_001400520.1, NM_001400523.1, NM_001400528.1); c.714T>G, p.Ser238Arg (NM_001400524.1, NM_001400527.1, NM_001400530.1); c.678T>G, p.Ser226Arg (NM_001400525.1, NM_001400529.1, NM_001400532.1); c.954T>G, p.Ser318Arg (NM_001400526.1); c.711T>G, p.Ser237Arg (NM_001400531.1); and 5 more; short protein forms S213R, S320R, S81R, S237R, S319R, S295R, S318R, S33R.
Identifiers: ClinVar variation 1915110 (VCV001915110.5), dbSNP rs906072796, ClinGen allele CA69961723.

ClinVar aggregate classification (germline): Uncertain significance (1 of 4 stars; one submission).

Allele frequency attached by ClinVar (database versions not stated): TOPMed below 0.00001.
gnomAD v4.1: 1 of 1,614,164 alleles (0.000062%); highest among the groups gnomAD compares: Non-Finnish European, 0.000085%; no homozygotes.

Submission:

Labcorp Genetics (formerly Invitae), Labcorp
Classification: Uncertain significance. Last evaluated: 2022-07-21. Review status: criteria provided, single submitter. Criteria: Invitae Variant Classification Sherloc (09022015). Collection method: clinical testing. Allele origin: germline.
Comment: This sequence change replaces serine, which is neutral and polar, with arginine, which is basic and polar, at codon 320 of the MTMR14 protein (p.Ser320Arg). This variant is not present in population databases (gnomAD no frequency). This variant has not been reported in the literature in individuals affected with MTMR14-related conditions. Algorithms developed to predict the effect of missense changes on protein structure and function output the following: SIFT: "Tolerated"; PolyPhen-2: "Benign"; Align-GVGD: "Class C0". The arginine amino acid residue is found in multiple mammalian species, which suggests that this missense change does not adversely affect protein function. In summary, the available evidence is currently insufficient to determine the role of this variant in disease. Therefore, it has been classified as a Variant of Uncertain Significance.